The following is an entry in ClinVar:

ClinVar aggregate classification (germline): Pathogenic. Review status: criteria provided, multiple submitters, no conflicts (2 of 4 stars). 3 submissions from 3 submitters: Pathogenic (3). Last evaluated 2024-07-20.

Conditions:
Cardiovascular phenotype. Identifiers: MedGen CN230736.
Hereditary cancer-predisposing syndrome. Also called: Hereditary Cancer Syndrome; Hereditary neoplastic syndrome; Tumor predisposition; Neoplastic Syndromes, Hereditary. Identifiers: Orphanet 140162, MedGen C0027672, MeSH D009386, MONDO:0015356.
Juvenile myelomonocytic leukemia (JMML). Also called: LEUKEMIA, JUVENILE MYELOMONOCYTIC, SOMATIC. Identifiers: Orphanet 86834, MedGen C0349639, MONDO:0011908, OMIM 607785, HP:0012209.
Neurofibromatosis, type 1 (NF1). Also called: VON RECKLINGHAUSEN DISEASE; Peripheral type neurofibromatosis; Neurofibromatosis, type I; NEUROFIBROMATOSIS, TYPE I, SOMATIC. Identifiers: Orphanet 636, MedGen C0027831, MONDO:0018975, OMIM 162200. Disease mechanism: loss of function.

Submissions (3):

Labcorp Genetics (formerly Invitae), Labcorp
Classification: Pathogenic for Neurofibromatosis, type 1. Last evaluated: 2024-07-20. Review status: criteria provided, single submitter. Criteria: Invitae Variant Classification Sherloc (09022015). Collection method: clinical testing. Allele origin: germline.
Comment: This sequence change creates a premature translational stop signal (p.Met577Cysfs*9) in the NF1 gene. It is expected to result in an absent or disrupted protein product. Loss-of-function variants in NF1 are known to be pathogenic (PMID: 10712197, 23913538). This variant is not present in population databases (gnomAD no frequency). This premature translational stop signal has been observed in individual(s) with clinical features of neurofibromatosis, type 1 (PMID: 31776437). For these reasons, this variant has been classified as Pathogenic.

Baylor Genetics
Classification: Pathogenic for Juvenile myelomonocytic leukemia. Last evaluated: 2023-12-02. Review status: criteria provided, single submitter. Criteria: ACMG Guidelines, 2015. Collection method: clinical testing. Allele origin: unknown.

Ambry Genetics
Classification: Pathogenic for Cardiovascular phenotype; Hereditary cancer-predisposing syndrome. Last evaluated: 2023-08-03. Review status: criteria provided, single submitter. Criteria: Ambry Variant Classification Scheme 2023. Collection method: clinical testing. Allele origin: germline.
Comment: The c.1729delA pathogenic mutation, located in coding exon 16 of the NF1 gene, results from a deletion of one nucleotide at nucleotide position 1729, causing a translational frameshift with a predicted alternate stop codon (p.M577Cfs*9). This alteration was identified in a cohort of 427 Korean patients with a confirmed or suspected clinical diagnosis of neurofibromatosis type 1 (Kang E et al. J Hum Genet, 2020 Jan;65:79-89). This variant is considered to be rare based on population cohorts in the Genome Aggregation Database (gnomAD). In addition to the clinical data presented in the literature, this alteration is expected to result in loss of function by premature protein truncation or nonsense-mediated mRNA decay. As such, this alteration is interpreted as a disease-causing mutation.

Literature cited by the submitters: PubMed 10712197 (cited by Labcorp Genetics (formerly Invitae), Labcorp); PubMed 23913538 (cited by Labcorp Genetics (formerly Invitae), Labcorp); PubMed 31776437 (cited by Labcorp Genetics (formerly Invitae), Labcorp).

NM_001042492.3(NF1):c.1729del (p.Met577fs)

Gene: NF1 (neurofibromin 1; plus strand). Cytogenetic location: 17q11.2.
Variant type: Deletion.
Coding change: c.1729del on transcript NM_001042492.3 (MANE Select); coding-DNA position 1729, one base deleted (A; older notation c.1729delA).
Protein change: p.Met577fs; shifts the reading frame from methionine 577.
Molecular consequence: frameshift variant.
Genome position (GRCh38, 1-based): chr17:31,223,451, A deleted; the last of 3 consecutive A bases (chr17:31,223,449-31,223,451); deleting any one gives the same sequence. VCF-style (leftmost placement, unchanged base first): chr17-31223448-CA-C. GRCh37 (hg19) VCF-style: chr17-29550466-CA-C.
Other names: c.1729delA (NM_000267.3); c.1729delA, p.Met577Cysfs (NM_000267.4); short protein forms M577fs.
Identifiers: ClinVar variation 2780384 (VCV002780384.5), dbSNP rs2066961890, ClinGen allele CA2695225256.